The following is an entry in ClinVar:

NM_001376571.1(MADD):c.1792A>G (p.Asn598Asp)

Gene: MADD (MAP kinase activating death domain; plus strand). Cytogenetic location: 11p11.2.
Variant type: single nucleotide variant.
Coding change: c.1792A>G on transcript NM_001376571.1 (MANE Select); coding-DNA position 1792, A replaced by G.
Protein change: p.Asn598Asp; replaces asparagine 598 with aspartic acid.
Molecular consequence: missense variant. On other transcripts: non-coding transcript variant (8).
Genome position (GRCh38, 1-based): chr11:47,282,899, A>G. VCF-style: chr11-47282899-A-G. GRCh37 (hg19) VCF-style: chr11-47304450-A-G.
Other names: c.1792A>G, p.Asn598Asp (NM_001135943.2, NM_001135944.2, NM_001376572.1 and 80 more transcripts); c.1588A>G, p.Asn530Asp (NM_001376620.1, NM_001376626.1, NM_001376627.1 and 9 more transcripts); c.1126A>G, p.Asn376Asp (NM_001376663.1); short protein forms N598D, N376D, N530D.
Identifiers: ClinVar variation 782125 (VCV000782125.29), dbSNP rs138087178, ClinGen allele CA5974233.
Genomic context (GRCh38, chr11:47,282,899, plus strand): 5'-GACAAGCCAAAGTGGTATGCTCATCAGCTGCAGCCTATCCACTATCGCGTCTATGACAGC[A>G]ATTCCCAGCTGGCTGAGGCCCTGAGTGTACCACCAGAGCGGGACTCTGACTCCGAACCTA-3'
Protein context (NP_001363500.1, residues 588-608): QPIHYRVYDS[Asn598Asp]SQLAEALSVP

ClinVar aggregate classification (germline): Likely benign. Review status: criteria provided, multiple submitters, no conflicts (2 of 4 stars). 3 submissions from 3 submitters: Likely benign (3). Last evaluated 2026-07-01.

Allele frequency attached by ClinVar (database versions not stated): 1000 Genomes Project 30x 0.00062; 1000 Genomes Project 0.00080; gnomAD exomes 0.00179 and 0.00252; ExAC 0.00188; gnomAD 0.00194 and 0.00195; ESP Exome Variant Server 0.00208; TOPMed 0.00210.
gnomAD v4.1: 3,946 of 1,614,088 alleles (0.24%); highest among the groups gnomAD compares: Non-Finnish European, 0.31%; 9 homozygotes.

Submissions (3):

CeGaT Center for Human Genetics Tuebingen
Classification: Likely benign. Last evaluated: 2026-07-01. Review status: criteria provided, single submitter. Criteria: CeGaT Center For Human Genetics Tuebingen Variant Classification Criteria Version 2. Collection method: clinical testing. Allele origin: germline. Affected: yes. Observed: 7 variant alleles.
Comment: MADD: BP4

Labcorp Genetics (formerly Invitae), Labcorp
Classification: Likely benign. Last evaluated: 2018-08-08. Review status: criteria provided, single submitter. Criteria: Invitae Variant Classification Sherloc (09022015). Collection method: clinical testing. Allele origin: germline.

Breakthrough Genomics
Classification: Likely benign. Review status: criteria provided, single submitter. Criteria: ACMG Guidelines, 2015. Collection method: not provided. Allele origin: germline. Inheritance: Autosomal recessive inheritance. Affected: yes.